The following is an entry in ClinVar:

ClinVar aggregate classification (germline): Likely benign. Review status: criteria provided, multiple submitters, no conflicts (2 of 4 stars). 2 submissions from 2 submitters: Likely benign (2). Last evaluated 2025-04-22.

Allele frequency attached by ClinVar (database versions not stated): ESP Exome Variant Server 0.00008; gnomAD exomes 0.00011; TOPMed 0.00011; gnomAD 0.00013; ExAC 0.00014.
gnomAD v4.1: 179 of 1,604,274 alleles (0.011%); highest among the groups gnomAD compares: Middle Eastern, 0.033%; no homozygotes.

Submissions (2):

Mayo Clinic Laboratories, Mayo Clinic
Classification: Likely benign. Last evaluated: 2025-04-22. Review status: criteria provided, single submitter. Criteria: ACMG Guidelines, 2015. Collection method: clinical testing. Allele origin: germline. Observed: 1 variant allele.
Comment: BP4, BP7

Labcorp Genetics (formerly Invitae), Labcorp
Classification: Likely benign. Last evaluated: 2024-12-30. Review status: criteria provided, single submitter. Criteria: Invitae Variant Classification Sherloc (09022015). Collection method: clinical testing. Allele origin: germline.

NM_024420.3(PLA2G4A):c.1961-6A>G

Gene: PLA2G4A (phospholipase A2 group IVA; plus strand). Cytogenetic location: 1q31.1.
Variant type: single nucleotide variant.
Coding change: c.1961-6A>G on transcript NM_024420.3 (MANE Select); 6 bases into the intron before coding-DNA position 1961, A replaced by G.
Molecular consequence: intron variant.
Genome position (GRCh38, 1-based): chr1:186,979,309, A>G. VCF-style: chr1-186979309-A-G. GRCh37 (hg19) VCF-style: chr1-186948441-A-G.
Other names: p.?; c.1781-6A>G (NM_001311193.2); c.1961-6A>G (NM_024420.2).
Identifiers: ClinVar variation 2885001 (VCV002885001.4), dbSNP rs201740579, ClinGen allele CA1300342.